The following is an entry in ClinVar:

ClinVar aggregate classification (germline): Pathogenic (1 of 4 stars; one submission).

Submission:

GeneDx
Classification: Pathogenic. Last evaluated: 2024-05-19. Review status: criteria provided, single submitter. Criteria: GeneDx Variant Classification Process June 2021. Collection method: clinical testing. Allele origin: germline. Affected: yes.
Comment: Nonsense variant predicted to result in protein truncation or nonsense mediated decay in a gene for which loss of function is a known mechanism of disease; Not observed at significant frequency in large population cohorts (gnomAD); Has not been previously published as pathogenic or benign to our knowledge

NM_057175.5(NAA15):c.1458G>A (p.Trp486Ter)

Gene: NAA15 (N-alpha-acetyltransferase 15, NatA auxiliary subunit; plus strand). Cytogenetic location: 4q31.1.
Variant type: single nucleotide variant.
Coding change: c.1458G>A on transcript NM_057175.5 (MANE Select); coding-DNA position 1458, G replaced by A.
Protein change: p.Trp486Ter; replaces tryptophan 486 with a stop codon.
Molecular consequence: nonsense.
Genome position (GRCh38, 1-based): chr4:139,360,547, G>A. VCF-style: chr4-139360547-G-A. GRCh37 (hg19) VCF-style: chr4-140281701-G-A.
Other names: c.1458G>A, p.Trp486Ter (NM_001410842.1); short protein forms W486*.
Identifiers: ClinVar variation 3381435 (VCV003381435.1).